The following is an entry in ClinVar:

NM_003036.4(SKI):c.1654G>A (p.Gly552Ser)

Gene: SKI (SKI proto-oncogene; plus strand). Cytogenetic location: 1p36.32.
Variant type: single nucleotide variant.
Coding change: c.1654G>A on transcript NM_003036.4 (MANE Select); coding-DNA position 1654, G replaced by A.
Protein change: p.Gly552Ser; replaces glycine 552 with serine.
Molecular consequence: missense variant.
Genome position (GRCh38, 1-based): chr1:2,304,472, G>A. VCF-style: chr1-2304472-G-A. GRCh37 (hg19) VCF-style: chr1-2235911-G-A.
Other names: short protein forms G552S.
Identifiers: ClinVar variation 1313938 (VCV001313938.10), dbSNP rs1010245755, ClinGen allele CA16896774.
Genomic context (GRCh38, chr1:2,304,472, plus strand): 5'-GCCGACGCCCCCAGTGGGCTGGAGGCGGAGCTGGAGCACCTGCGGCAGGCACTGGAGGGC[G>A]GCCTGGACACCAAGGAAGCCAAAGAGAAGTTCCTGCATGAGGTGGTCAAGATGCGCGTGA-3'
Protein context (NP_003027.1, residues 542-562): LEHLRQALEG[Gly552Ser]LDTKEAKEKF

ClinVar aggregate classification (germline): Conflicting classifications of pathogenicity. Review status: criteria provided, conflicting classifications (1 of 4 stars). 4 submissions from 4 submitters: Uncertain significance (3); Likely benign (1). Last evaluated 2026-04-01.

Conditions:
Familial thoracic aortic aneurysm and aortic dissection (TAAD). Also called: Thoracic aortic aneurysms and dissections. Identifiers: Orphanet 91387, MedGen C4707243, MONDO:0019625.
Shprintzen-Goldberg syndrome (SGS). Also called: Marfanoid disorder with craniosynostosis type 1; Marfanoid craniosynostosis syndrome; Shprintzen-Goldberg marfanoid syndrome; SHPRINTZEN-GOLDBERG CRANIOSYNOSTOSIS SYNDROME; CRANIOSYNOSTOSIS WITH ARACHNODACTYLY AND ABDOMINAL HERNIAS. Identifiers: Orphanet 2462, MedGen C1321551, MONDO:0008426, OMIM 182212.

Allele frequency attached by ClinVar (database versions not stated): gnomAD exomes 0.00001; gnomAD 0.00002; TOPMed 0.00002.
gnomAD v4.1: 14 of 1,572,952 alleles (0.00089%); highest among the groups gnomAD compares: African/African-American, 0.0068%; no homozygotes.

Submissions (4):

CeGaT Center for Human Genetics Tuebingen
Classification: Uncertain significance. Last evaluated: 2026-04-01. Review status: criteria provided, single submitter. Criteria: CeGaT Center For Human Genetics Tuebingen Variant Classification Criteria Version 2. Collection method: clinical testing. Allele origin: germline. Affected: yes. Observed: 1 variant allele.

Labcorp Genetics (formerly Invitae), Labcorp
Classification: Likely benign for Shprintzen-Goldberg syndrome. Last evaluated: 2024-04-20. Review status: criteria provided, single submitter. Criteria: Invitae Variant Classification Sherloc (09022015). Collection method: clinical testing. Allele origin: germline.

Ambry Genetics
Classification: Uncertain significance for Familial thoracic aortic aneurysm and aortic dissection. Last evaluated: 2023-11-27. Review status: criteria provided, single submitter. Criteria: Ambry Variant Classification Scheme 2023. Collection method: clinical testing. Allele origin: germline.

GeneDx
Classification: Uncertain significance. Last evaluated: 2021-01-13. Review status: criteria provided, single submitter. Criteria: GeneDx Variant Classification Process June 2021. Collection method: clinical testing. Allele origin: germline. Affected: yes.
Comment: Has not been previously published as pathogenic or benign to our knowledge; Not observed at a significant frequency in large population cohorts (Lek et al., 2016); In silico analysis supports that this missense variant does not alter protein structure/function